The following is an entry in ClinVar:

ClinVar aggregate classification (germline): Uncertain significance. Review status: criteria provided, multiple submitters, no conflicts (2 of 4 stars). 2 submissions from 2 submitters: Uncertain significance (2). Last evaluated 2025-07-31.

Conditions:
GATA4-related disorder. Also called: GATA4-related condition. Identifiers: MedGen CN860321.
Atrioventricular septal defect 4 (AVSD4). Identifiers: MedGen C3280781, MONDO:0013747, OMIM 614430.

Allele frequency attached by ClinVar (database versions not stated): ExAC 0.00002; gnomAD 0.00003.
gnomAD v4.1: 39 of 1,613,994 alleles (0.0024%); highest among the groups gnomAD compares: Non-Finnish European, 0.0031%; no homozygotes.

Submissions (2):

PreventionGenetics, part of Exact Sciences
Classification: Uncertain significance for GATA4-related condition. Last evaluated: 2025-07-31. Review status: criteria provided, single submitter. Criteria: ACMG Guidelines, 2015. Collection method: clinical testing. Allele origin: germline.
Comment: The GATA4 c.1175A>C variant is predicted to result in the amino acid substitution p.His392Pro. To our knowledge, this variant has not been reported in the literature. This variant is reported in 0.0018% of alleles in individuals of European (Non-Finnish) descent in gnomAD. At this time, the clinical significance of this variant is uncertain due to the absence of conclusive functional and genetic evidence.

Labcorp Genetics (formerly Invitae), Labcorp
Classification: Uncertain significance for Atrioventricular septal defect 4. Last evaluated: 2025-05-01. Review status: criteria provided, single submitter. Criteria: Invitae Variant Classification Sherloc (09022015). Collection method: clinical testing. Allele origin: germline.
Comment: This sequence change replaces histidine, which is basic and polar, with proline, which is neutral and non-polar, at codon 392 of the GATA4 protein (p.His392Pro). This variant is present in population databases (rs766572598, gnomAD 0.003%). This variant has not been reported in the literature in individuals affected with GATA4-related conditions. ClinVar contains an entry for this variant (Variation ID: 2770380). Invitae Evidence Modeling of protein sequence and biophysical properties (such as structural, functional, and spatial information, amino acid conservation, physicochemical variation, residue mobility, and thermodynamic stability) indicates that this missense variant is not expected to disrupt GATA4 protein function with a negative predictive value of 95%. In summary, the available evidence is currently insufficient to determine the role of this variant in disease. Therefore, it has been classified as a Variant of Uncertain Significance.

NM_001308093.3(GATA4):c.1178A>C (p.His393Pro)

Gene: GATA4 (GATA binding protein 4). Cytogenetic location: 8p23.1.
Variant type: single nucleotide variant.
Coding change: c.1178A>C on transcript NM_001308093.3 (MANE Select); coding-DNA position 1178, A replaced by C.
Protein change: p.His393Pro; replaces histidine 393 with proline.
Molecular consequence: missense variant.
Genome position (GRCh38, 1-based): chr8:11,758,321, A>C. VCF-style: chr8-11758321-A-C. GRCh37 (hg19) VCF-style: chr8-11615830-A-C.
Other names: c.1175A>C (NM_002052.4); c.557A>C, p.His186Pro (NM_001308094.2, NM_001374273.1); c.431A>C, p.His144Pro (NM_001374274.1); c.1175A>C, p.His392Pro (NM_002052.5); short protein forms H392P, H393P, H144P, H186P.
Identifiers: ClinVar variation 2770380 (VCV002770380.4), dbSNP rs766572598, ClinGen allele CA4630883.